The following is an entry in ClinVar:

NM_001110556.2(FLNA):c.5021T>C (p.Val1674Ala)

Gene: FLNA (filamin A; minus strand). Cytogenetic location: Xq28.
Variant type: single nucleotide variant.
Coding change: c.5021T>C on transcript NM_001110556.2 (MANE Select); coding-DNA position 5021, T replaced by C.
Protein change: p.Val1674Ala; replaces valine 1674 with alanine.
Molecular consequence: missense variant.
Genome position (GRCh38, 1-based): chrX:154,355,021, A>G on the plus strand (T>C on the coding strand, the complement: FLNA is on the minus strand). VCF-style: chrX-154355021-A-G. GRCh37 (hg19) VCF-style: chrX-153583389-A-G.
Other names: c.4997T>C, p.Val1666Ala (NM_001456.4); short protein forms V1666A, V1674A.
Identifiers: ClinVar variation 1033846 (VCV001033846.1), dbSNP rs781946233, ClinGen allele CA337276673.
Genomic context (GRCh38, chrX:154,355,021, plus strand): 5'-GAGCCATCAGGCGTGCACACGGTGCACGTCACTTTGCCTTTGCCTGCCGCCTTAGTGTCC[A>G]CAGTGATCACCGTCTCCTCCCCAATCTGAATGGTGGGGCCGATGCCAGCACCTGGTGGGG-3'
Protein context (NP_001104026.1, residues 1664-1684): IQIGEETVIT[Val1674Ala]DTKAAGKGKV

ClinVar aggregate classification (germline): Uncertain significance (1 of 4 stars; one submission).

Conditions:
Cardiac valvular dysplasia, X-linked (CVDPX). Also called: Isolated X-Linked Cardiac Valvular Dysplasia; MYXOMATOUS VALVULAR DYSTROPHY, X-LINKED; VALVULAR HEART DISEASE, CONGENITAL; FLNA-Related X-linked Cardiac Valvular Dysplasia; Congenital valvular dysplasia. Identifiers: Orphanet 1864, Orphanet 555877, Orphanet 75497, MedGen C0262436, MONDO:0010753, OMIM 314400.

Allele frequency attached by ClinVar (database versions not stated): gnomAD exomes below 0.00001.
gnomAD v4.1: 5 of 1,210,982 alleles (0.00041%); highest among the groups gnomAD compares: Non-Finnish European, 0.00056%; no homozygotes.

Submission:

Baylor Genetics
Classification: Uncertain significance for Cardiac valvular dysplasia, X-linked. Last evaluated: 2018-06-15. Review status: criteria provided, single submitter. Criteria: ACMG Guidelines, 2015. Collection method: clinical testing. Allele origin: maternal. Affected: yes.
Comment: This variant was determined to be of uncertain significance according to ACMG Guidelines, 2015 [PMID:25741868].